The following is an entry in ClinVar:

NM_020987.5(ANK3):c.5993G>A (p.Arg1998Gln)

Gene: ANK3 (ankyrin 3; minus strand). Cytogenetic location: 10q21.2.
Variant type: single nucleotide variant.
Coding change: c.5993G>A on transcript NM_020987.5 (MANE Select); coding-DNA position 5993, G replaced by A.
Protein change: p.Arg1998Gln; replaces arginine 1998 with glutamine.
Molecular consequence: missense variant. On other transcripts: intron variant (4).
Genome position (GRCh38, 1-based): chr10:60,074,888, C>T on the plus strand (G>A on the coding strand, the complement: ANK3 is on the minus strand). VCF-style: chr10-60074888-C-T. GRCh37 (hg19) VCF-style: chr10-61834646-C-T.
Other names: c.4387+5649G>A (NM_001204403.2); c.4408+5649G>A (NM_001204404.2); c.4405+5649G>A (NM_001320874.2); c.1807+5649G>A (NM_001149.4); short protein forms R1998Q.
Identifiers: ClinVar variation 1496396 (VCV001496396.8), dbSNP rs369444587, ClinGen allele CA5511934.
Genomic context (GRCh38, chr10:60,074,888, plus strand): 5'-ACTTGCACTCTCTCTGGCAGAGATGGAGACTGGCTCGCAGCAGCTTGTTGTCTGGCTTCC[C>T]GGATTTCTTCCGAACTAAATTCTATCCAGTCATCTTCAGGAGAGTGTCCTTTGTCACTCT-3'
Protein context (NP_066267.2, residues 1988-2008): DWIEFSSEEI[Arg1998Gln]EARQQAAASQ

ClinVar aggregate classification (germline): Uncertain significance (1 of 4 stars; one submission).

Allele frequency attached by ClinVar (database versions not stated): gnomAD 0.00002 and 0.00003; TOPMed 0.00002; ExAC 0.00004; ESP Exome Variant Server 0.00008.
gnomAD v4.1: 24 of 1,613,704 alleles (0.0015%); highest among the groups gnomAD compares: East Asian, 0.0045%; no homozygotes.

Submission:

Labcorp Genetics (formerly Invitae), Labcorp
Classification: Uncertain significance. Last evaluated: 2021-12-03. Review status: criteria provided, single submitter. Criteria: Invitae Variant Classification Sherloc (09022015). Collection method: clinical testing. Allele origin: germline.
Comment: This sequence change replaces arginine, which is basic and polar, with glutamine, which is neutral and polar, at codon 1998 of the ANK3 protein (p.Arg1998Gln). The frequency data for this variant in the population databases is considered unreliable, as metrics indicate poor data quality at this position in the gnomAD database. This variant has not been reported in the literature in individuals affected with ANK3-related conditions. Algorithms developed to predict the effect of missense changes on protein structure and function output the following: SIFT: "Not Available"; PolyPhen-2: "Benign"; Align-GVGD: "Not Available". The glutamine amino acid residue is found in multiple mammalian species, which suggests that this missense change does not adversely affect protein function. In summary, the available evidence is currently insufficient to determine the role of this variant in disease. Therefore, it has been classified as a Variant of Uncertain Significance.